The following is an entry in ClinVar:

ClinVar aggregate classification (germline): Uncertain significance (1 of 4 stars; one submission).

Conditions:
Inborn genetic diseases. Identifiers: MedGen C0950123, MeSH D030342.

gnomAD v4.1: 2 of 1,614,142 alleles (0.00012%); highest among the groups gnomAD compares: East Asian, 0.0022%; no homozygotes.

Submission:

Ambry Genetics
Classification: Uncertain significance for Inborn genetic diseases. Last evaluated: 2026-08-22. Review status: criteria provided, single submitter. Criteria: Ambry Variant Classification Scheme 2023. Collection method: clinical testing. Allele origin: germline.
Comment: The p.G249E variant (also known as c.746G>A), located in coding exon 3 of the MBD4 gene, results from a G to A substitution at nucleotide position 746. The glycine at codon 249 is replaced by glutamic acid, an amino acid with similar properties. This amino acid position is conserved. In addition, this alteration is predicted to be tolerated by in silico analysis. Based on the available evidence, the clinical significance of this variant remains unclear.

NM_001276270.2(MBD4):c.746G>A (p.Gly249Glu)

Gene: MBD4 (methyl-CpG binding domain 4, DNA glycosylase; minus strand). Cytogenetic location: 3q21.3.
Variant type: single nucleotide variant.
Coding change: c.746G>A on transcript NM_001276270.2 (MANE Select); coding-DNA position 746, G replaced by A.
Protein change: p.Gly249Glu; replaces glycine 249 with glutamic acid.
Molecular consequence: missense variant. On other transcripts: intron variant (1).
Genome position (GRCh38, 1-based): chr3:129,436,898, C>T on the plus strand (G>A on the coding strand, the complement: MBD4 is on the minus strand). VCF-style: chr3-129436898-C-T. GRCh37 (hg19) VCF-style: chr3-129155741-C-T.
Other names: c.746G>A, p.Gly249Glu (NM_001276271.2, NM_001276272.2, NM_003925.3); c.247+910G>A (NM_001276273.2); short protein forms G249E.
Identifiers: ClinVar variation 5024040 (VCV005024040.1).